The following is an entry in ClinVar:

ClinVar aggregate classification (germline): Uncertain significance (1 of 4 stars; one submission).

Conditions:
Kabuki syndrome. Also called: Kabuki make-up syndrome; NIIKAWA-KUROKI SYNDROME. Identifiers: Orphanet 2322, MedGen C0796004, MONDO:0016512.

Submission:

Labcorp Genetics (formerly Invitae), Labcorp
Classification: Uncertain significance for Kabuki syndrome. Last evaluated: 2025-08-07. Review status: criteria provided, single submitter. Criteria: Invitae Variant Classification Sherloc (09022015). Collection method: clinical testing. Allele origin: germline.
Comment: This sequence change replaces histidine, which is basic and polar, with arginine, which is basic and polar, at codon 140 of the KMT2D protein (p.His140Arg). This variant is not present in population databases (gnomAD no frequency). This variant has not been reported in the literature in individuals affected with KMT2D-related conditions. Invitae Evidence Modeling of protein sequence and biophysical properties (such as structural, functional, and spatial information, amino acid conservation, physicochemical variation, residue mobility, and thermodynamic stability) has been performed for this missense variant. However, the output from this modeling did not meet the statistical confidence thresholds required to predict the impact of this variant on KMT2D protein function. In summary, the available evidence is currently insufficient to determine the role of this variant in disease. Therefore, it has been classified as a Variant of Uncertain Significance.

NM_003482.4(KMT2D):c.419A>G (p.His140Arg)

Gene: KMT2D (lysine methyltransferase 2D; minus strand). Cytogenetic location: 12q13.12.
Variant type: single nucleotide variant.
Coding change: c.419A>G on transcript NM_003482.4 (MANE Select); coding-DNA position 419, A replaced by G.
Protein change: p.His140Arg; replaces histidine 140 with arginine.
Molecular consequence: missense variant.
Genome position (GRCh38, 1-based): chr12:49,054,398, T>C on the plus strand (A>G on the coding strand, the complement: KMT2D is on the minus strand). VCF-style: chr12-49054398-T-C. GRCh37 (hg19) VCF-style: chr12-49448181-T-C.
Other names: short protein forms H140R.
Identifiers: ClinVar variation 4809512 (VCV004809512.1).